The following is an entry in ClinVar:

ClinVar aggregate classification (germline): Uncertain significance. Review status: criteria provided, multiple submitters, no conflicts (2 of 4 stars). 4 submissions from 4 submitters: Uncertain significance (3). 1 of the submissions does not count toward it. Last evaluated 2025-06-06.

Conditions:
Inborn genetic diseases. Identifiers: MedGen C0950123, MeSH D030342.
Retinal dystrophy. Also called: Inherited retinal dystrophy. Identifiers: Orphanet 71862, MedGen C0854723, MeSH D058499, MONDO:0019118, HP:0000556.
Microcephaly and chorioretinopathy 1. Also called: Microcephaly and chorioretinopathy, autosomal recessive, 1. Identifiers: MedGen C3278481, MONDO:0009624, OMIM 251270.

Allele frequency attached by ClinVar (database versions not stated): ExAC 0.00010; 1000 Genomes Project 30x 0.00016; 1000 Genomes Project 0.00020; gnomAD 0.00003.
gnomAD v4.1: 41 of 1,587,298 alleles (0.0026%); highest among the groups gnomAD compares: South Asian, 0.044%; 2 homozygotes.

Submissions (4):

Ambry Genetics
Classification: Uncertain significance for Inborn genetic diseases. Last evaluated: 2025-06-06. Review status: criteria provided, single submitter. Criteria: Ambry Variant Classification Scheme 2023. Collection method: clinical testing. Allele origin: germline.

Revvity Omics, Revvity
Classification: Uncertain significance for Microcephaly and chorioretinopathy 1. Last evaluated: 2023-10-30. Review status: criteria provided, single submitter. Criteria: ACMG Guidelines, 2015. Collection method: clinical testing. Allele origin: germline.

Labcorp Genetics (formerly Invitae), Labcorp
Classification: Uncertain significance. Last evaluated: 2022-05-23. Review status: criteria provided, single submitter. Criteria: Invitae Variant Classification Sherloc (09022015). Collection method: clinical testing. Allele origin: germline.
Comment: This sequence change replaces proline, which is neutral and non-polar, with serine, which is neutral and polar, at codon 931 of the TUBGCP6 protein (p.Pro931Ser). This variant is present in population databases (rs538912634, gnomAD 0.04%), including at least one homozygous and/or hemizygous individual. This variant has not been reported in the literature in individuals affected with TUBGCP6-related conditions. Algorithms developed to predict the effect of missense changes on protein structure and function output the following: SIFT: "Tolerated"; PolyPhen-2: "Benign"; Align-GVGD: "Class C0". The serine amino acid residue is found in multiple mammalian species, which suggests that this missense change does not adversely affect protein function. In summary, the available evidence is currently insufficient to determine the role of this variant in disease. Therefore, it has been classified as a Variant of Uncertain Significance.

Institute of Human Genetics, Univ. Regensburg, Univ. Regensburg
Classification: Uncertain significance for Retinal dystrophy. Last evaluated: 2023-01-01. Review status: no assertion criteria provided. Criteria: ACMG Guidelines, 2015. Collection method: clinical testing. Allele origin: germline. Affected: yes. Not counted in ClinVar's aggregate classification.

NM_020461.4(TUBGCP6):c.2791C>T (p.Pro931Ser)

Gene: TUBGCP6 (tubulin gamma complex component 6; minus strand). Cytogenetic location: 22q13.33.
Variant type: single nucleotide variant.
Coding change: c.2791C>T on transcript NM_020461.4 (MANE Select); coding-DNA position 2791, C replaced by T.
Protein change: p.Pro931Ser; replaces proline 931 with serine.
Molecular consequence: missense variant.
Genome position (GRCh38, 1-based): chr22:50,221,568, G>A on the plus strand (C>T on the coding strand, the complement: TUBGCP6 is on the minus strand). VCF-style: chr22-50221568-G-A. GRCh37 (hg19) VCF-style: chr22-50659997-G-A.
Other names: c.2791C>T (NM_020461.3); short protein forms P931S.
Identifiers: ClinVar variation 1988209 (VCV001988209.5), dbSNP rs538912634, ClinGen allele CA10308115.